The following is an entry in ClinVar:

ClinVar aggregate classification (germline): Uncertain significance (1 of 4 stars; one submission).

Submission:

CeGaT Center for Human Genetics Tuebingen
Classification: Uncertain significance. Last evaluated: 2025-11-01. Review status: criteria provided, single submitter. Criteria: CeGaT Center For Human Genetics Tuebingen Variant Classification Criteria Version 2. Collection method: clinical testing. Allele origin: germline. Affected: yes. Observed: 1 variant allele.
Comment: ANKRD11: PM2

NM_013275.6(ANKRD11):c.16dup (p.Cys6fs)

Gene: ANKRD11 (ankyrin repeat domain 11; minus strand). Cytogenetic location: 16q24.3.
Variant type: Duplication.
Coding change: c.16dup on transcript NM_013275.6 (MANE Select); coding-DNA position 16, one base duplicated (T; older notation c.16dupT).
Protein change: p.Cys6fs; shifts the reading frame from cysteine 6.
Molecular consequence: frameshift variant. On other transcripts: non-coding transcript variant (1).
Genome position (GRCh38, 1-based): chr16:89,317,004, A duplicated on the plus strand (T on the coding strand, the reverse complement: ANKRD11 is on the minus strand). VCF-style (leftmost placement, unchanged base first): chr16-89317003-C-CA. GRCh37 (hg19) VCF-style: chr16-89383411-C-CA.
Other names: c.16dup, p.Cys6fs (NM_001256182.2, NM_001256183.2); short protein forms C6fs.
Identifiers: ClinVar variation 4535310 (VCV004535310.6).